The following is an entry in ClinVar:

NM_015021.3(ZNF292):c.5080A>C (p.Asn1694His)

Gene: ZNF292 (zinc finger protein 292; plus strand). Cytogenetic location: 6q14.3.
Variant type: single nucleotide variant.
Coding change: c.5080A>C on transcript NM_015021.3 (MANE Select); coding-DNA position 5080, A replaced by C.
Protein change: p.Asn1694His; replaces asparagine 1694 with histidine.
Molecular consequence: missense variant.
Genome position (GRCh38, 1-based): chr6:87,258,709, A>C. VCF-style: chr6-87258709-A-C. GRCh37 (hg19) VCF-style: chr6-87968427-A-C.
Other names: c.4660A>C, p.Asn1554His (NM_001351444.2); short protein forms N1554H, N1694H.
Identifiers: ClinVar variation 3368820 (VCV003368820.3).
Genomic context (GRCh38, chr6:87,258,709, plus strand): 5'-ATTCCAACTTGTGAACCTCAGAGTTTGGTGGAAAATCTAACACAGAAATTAAATAATGTT[A>C]ACAATCAGTTATTTATGACTGATGTAAAAGAGAATTTCAAAACCAGTCTTGAGTCCCATA-3'
Protein context (NP_055836.1, residues 1684-1704): ENLTQKLNNV[Asn1694His]NQLFMTDVKE

ClinVar aggregate classification (germline): Uncertain significance (1 of 4 stars; one submission).

Submission:

GeneDx
Classification: Uncertain significance. Last evaluated: 2026-09-24. Review status: criteria provided, single submitter. Criteria: GeneDx Variant Classification Process June 2021. Collection method: clinical testing. Allele origin: germline.
Comment: Not observed at significant frequency in large population cohorts (gnomAD); In silico analysis suggests that this missense variant does not alter protein structure/function; Has not been previously published as pathogenic or benign to our knowledge